The following is an entry in ClinVar:

ClinVar aggregate classification (germline): Likely pathogenic (1 of 4 stars; one submission).

Conditions:
Ataxia-telangiectasia syndrome (AT). Also called: LOUIS-BAR SYNDROME; Ataxia telangiectasia (A-T); Cerebello-oculocutaneous telangiectasia; Immunodeficiency with ataxia telangiectasia; ATAXIA-TELANGIECTASIA, COMPLEMENTATION GROUP A; ATAXIA-TELANGIECTASIA, FRESNO VARIANT. Identifiers: Orphanet 100, MedGen C0004135, MONDO:0008840, OMIM 208900.

Submission:

Labcorp Genetics (formerly Invitae), Labcorp
Classification: Likely pathogenic for Ataxia-telangiectasia syndrome. Last evaluated: 2022-01-26. Review status: criteria provided, single submitter. Criteria: Invitae Variant Classification Sherloc (09022015). Collection method: clinical testing. Allele origin: germline.
Comment: In summary, the currently available evidence indicates that the variant is pathogenic, but additional data are needed to prove that conclusively. Therefore, this variant has been classified as Likely Pathogenic. Algorithms developed to predict the effect of sequence changes on RNA splicing suggest that this variant may disrupt the consensus splice site. ClinVar contains an entry for this variant (Variation ID: 951554). This variant has not been reported in the literature in individuals affected with ATM-related conditions. This variant is not present in population databases (gnomAD no frequency). This sequence change affects a donor splice site in intron 5 of the ATM gene. It is expected to disrupt RNA splicing. Variants that disrupt the donor or acceptor splice site typically lead to a loss of protein function (PMID: 16199547), and loss-of-function variants in ATM are known to be pathogenic (PMID: 23807571, 25614872).

Literature cited by the submitters: PubMed 16199547; PubMed 23807571; PubMed 25614872.

NM_000051.4(ATM):c.496+2T>G

Gene: ATM (ATM serine/threonine kinase; plus strand). Cytogenetic location: 11q22.3.
Variant type: single nucleotide variant.
Coding change: c.496+2T>G on transcript NM_000051.4 (MANE Select); the canonical splice donor site of the intron after coding-DNA position 496, T replaced by G.
Molecular consequence: splice donor variant.
Genome position (GRCh38, 1-based): chr11:108,235,836, T>G. VCF-style: chr11-108235836-T-G. GRCh37 (hg19) VCF-style: chr11-108106563-T-G.
Other names: c.496+2T>G (NM_001351834.2).
Identifiers: ClinVar variation 951554 (VCV000951554.8), dbSNP rs2079249834, ClinGen allele CA382525799.